The following is an entry in ClinVar:

ClinVar aggregate classification (germline): Uncertain significance (1 of 4 stars; one submission).

Conditions:
Autosomal dominant spastic paraplegia type 9. Identifiers: MedGen C1832669, MONDO:0015091.
Cutis laxa, autosomal dominant 3 (ADCL3). Identifiers: Orphanet 90348, MedGen C4225268, MONDO:0014706, OMIM 616603.
de Barsy syndrome. Also called: Cutis laxa-corneal clouding-oligophrenia syndrome. Identifiers: Orphanet 2962, MedGen C0268354, MONDO:0017569.

Allele frequency attached by ClinVar (database versions not stated): TOPMed 0.00001.
gnomAD v4.1: 8 of 1,613,950 alleles (0.0005%); highest among the groups gnomAD compares: East Asian, 0.0022%; no homozygotes.

Submission:

Labcorp Genetics (formerly Invitae), Labcorp
Classification: Uncertain significance for Autosomal dominant spastic paraplegia type 9; de Barsy syndrome; Cutis laxa, autosomal dominant 3. Last evaluated: 2025-09-28. Review status: criteria provided, single submitter. Criteria: Invitae Variant Classification Sherloc (09022015). Collection method: clinical testing. Allele origin: germline.
Comment: This sequence change replaces serine, which is neutral and polar, with leucine, which is neutral and non-polar, at codon 744 of the ALDH18A1 protein (p.Ser744Leu). This variant is present in population databases (no rsID available, gnomAD 0.003%). This missense change has been observed in individual(s) with clinical features of ALDH18A1-related conditions (internal data). ClinVar contains an entry for this variant (Variation ID: 581547). Invitae Evidence Modeling of protein sequence and biophysical properties (such as structural, functional, and spatial information, amino acid conservation, physicochemical variation, residue mobility, and thermodynamic stability) has been performed for this missense variant. However, the output from this modeling did not meet the statistical confidence thresholds required to predict the impact of this variant on ALDH18A1 protein function. In summary, the available evidence is currently insufficient to determine the role of this variant in disease. Therefore, it has been classified as a Variant of Uncertain Significance.

NM_002860.4(ALDH18A1):c.2231C>T (p.Ser744Leu)

Gene: ALDH18A1 (aldehyde dehydrogenase 18 family member A1; minus strand). Cytogenetic location: 10q24.1.
Variant type: single nucleotide variant.
Coding change: c.2231C>T on transcript NM_002860.4 (MANE Select); coding-DNA position 2231, C replaced by T.
Protein change: p.Ser744Leu; replaces serine 744 with leucine.
Molecular consequence: missense variant.
Genome position (GRCh38, 1-based): chr10:95,606,919, G>A on the plus strand (C>T on the coding strand, the complement: ALDH18A1 is on the minus strand). VCF-style: chr10-95606919-G-A. GRCh37 (hg19) VCF-style: chr10-97366676-G-A.
Other names: c.2225C>T, p.Ser742Leu (NM_001017423.2, NM_001323415.2); c.1898C>T, p.Ser633Leu (NM_001323412.2, NM_001323416.2); c.2231C>T, p.Ser744Leu (NM_001323413.2, NM_001323414.2); c.2126C>T, p.Ser709Leu (NM_001323417.2); c.1892C>T, p.Ser631Leu (NM_001323418.2); c.1595C>T, p.Ser532Leu (NM_001323419.2); short protein forms S744L, S532L, S742L, S631L, S633L, S709L.
Identifiers: ClinVar variation 581547 (VCV000581547.10), dbSNP rs762271422, ClinGen allele CA377699119.
Genomic context (GRCh38, chr10:95,606,919, plus strand): 5'-AGCAGCCACTTAGTAGTAAGCAGTCCCTCAAGTCCTACTGGTCCCCGGGCGTGGATTCTC[G>A]ATGTACTGATTCCCACTTCAGCTCCTGTGAAAAAGCATGAATAAAAGATGTAGCTTTTCC-3'
Protein context (NP_002851.2, residues 734-754): GLGAEVGIST[Ser744Leu]RIHARGPVGL